The following is an entry in ClinVar:

ClinVar aggregate classification (germline): Uncertain significance. Review status: criteria provided, multiple submitters, no conflicts (2 of 4 stars). 2 submissions from 2 submitters: Uncertain significance (2). Last evaluated 2023-03-01.

Allele frequency attached by ClinVar (database versions not stated): ExAC 0.00002; gnomAD exomes 0.00002; gnomAD 0.00003; TOPMed 0.00007.
gnomAD v4.1: 34 of 1,600,128 alleles (0.0021%); highest among the groups gnomAD compares: African/African-American, 0.004%; no homozygotes.

Submissions (2):

Ambry Genetics
Classification: Uncertain significance. Last evaluated: 2023-03-01. Review status: criteria provided, single submitter. Criteria: Ambry Variant Classification Scheme 2023. Collection method: clinical testing. Allele origin: germline.

Labcorp Genetics (formerly Invitae), Labcorp
Classification: Uncertain significance. Last evaluated: 2022-04-11. Review status: criteria provided, single submitter. Criteria: Invitae Variant Classification Sherloc (09022015). Collection method: clinical testing. Allele origin: germline.
Comment: This sequence change replaces arginine, which is basic and polar, with tryptophan, which is neutral and slightly polar, at codon 73 of the RDH11 protein (p.Arg73Trp). This variant is present in population databases (rs759896508, gnomAD 0.08%). This variant has not been reported in the literature in individuals affected with RDH11-related conditions. Algorithms developed to predict the effect of missense changes on protein structure and function are either unavailable or do not agree on the potential impact of this missense change (SIFT: "Deleterious"; PolyPhen-2: "Probably Damaging"; Align-GVGD: "Class C0"). In summary, the available evidence is currently insufficient to determine the role of this variant in disease. Therefore, it has been classified as a Variant of Uncertain Significance.

NM_016026.4(RDH11):c.217C>T (p.Arg73Trp)

Genes: GPHN (gephyrin; plus strand), RDH11 (retinol dehydrogenase 11; minus strand). Cytogenetic location: 14q24.1.
Variant type: single nucleotide variant.
Coding change: c.217C>T on transcript NM_016026.4 (MANE Select); coding-DNA position 217, C replaced by T.
Protein change: p.Arg73Trp; replaces arginine 73 with tryptophan.
Molecular consequence: missense variant.
Genome position (GRCh38, 1-based): chr14:67,692,570, G>A on the plus strand (C>T on the coding strand, the complement: RDH11 is on the minus strand). VCF-style: chr14-67692570-G-A. GRCh37 (hg19) VCF-style: chr14-68159287-G-A.
Other names: c.217C>T, p.Arg73Trp (NM_001252650.2); c.217C>T (NM_016026.3); short protein forms R73W.
Identifiers: ClinVar variation 1898060 (VCV001898060.4), dbSNP rs759896508, ClinGen allele CA7238459.
Genomic context (GRCh38, chr14:67,692,570, plus strand): 5'-GCTGGTTCCCTGTCGTGGTCTGGATCTCTTTGGCCACCAATTCCCCCTTTTCCACATCCC[G>A]GCAAGCTAAATATACTCGAGCTCCTGTCAGCCAACATATGAAAGAGAAATGGTCAGCTCT-3'
Protein context (NP_057110.3, residues 63-83): QRGARVYLAC[Arg73Trp]DVEKGELVAK